The following is an entry in ClinVar:

ClinVar aggregate classification (germline): Uncertain significance (1 of 4 stars; one submission).

Conditions:
Congenital disorder of glycosylation, type Iaa. Also called: Congenital disorder of glycosylation, type 1aa. Identifiers: MedGen C4310727, MONDO:0014904, OMIM 617082.

gnomAD v4.1: 4 of 1,546,324 alleles (0.00026%); highest among the groups gnomAD compares: South Asian, 0.0012%; no homozygotes.

Submission:

Labcorp Genetics (formerly Invitae), Labcorp
Classification: Uncertain significance for Congenital disorder of glycosylation, type Iaa. Last evaluated: 2022-10-30. Review status: criteria provided, single submitter. Criteria: Invitae Variant Classification Sherloc (09022015). Collection method: clinical testing. Allele origin: germline.
Comment: In summary, the available evidence is currently insufficient to determine the role of this variant in disease. Therefore, it has been classified as a Variant of Uncertain Significance. Algorithms developed to predict the effect of missense changes on protein structure and function (SIFT, PolyPhen-2, Align-GVGD) all suggest that this variant is likely to be tolerated. This variant has not been reported in the literature in individuals affected with NUS1-related conditions. This variant is not present in population databases (gnomAD no frequency). This sequence change replaces arginine, which is basic and polar, with glycine, which is neutral and non-polar, at codon 92 of the NUS1 protein (p.Arg92Gly).

NM_138459.5(NUS1):c.274C>G (p.Arg92Gly)

Gene: NUS1 (NUS1 dehydrodolichyl diphosphate synthase subunit; plus strand). Cytogenetic location: 6q22.1.
Variant type: single nucleotide variant.
Coding change: c.274C>G on transcript NM_138459.5 (MANE Select); coding-DNA position 274, C replaced by G.
Protein change: p.Arg92Gly; replaces arginine 92 with glycine.
Molecular consequence: missense variant.
Genome position (GRCh38, 1-based): chr6:117,675,944, C>G. VCF-style: chr6-117675944-C-G. GRCh37 (hg19) VCF-style: chr6-117997107-C-G.
Other names: short protein forms R92G.
Identifiers: ClinVar variation 3010076 (VCV003010076.3), dbSNP rs1035585867, ClinGen allele CA365536258.